The following is an entry in ClinVar:

NM_001256545.2(MEGF10):c.2687C>A (p.Thr896Asn)

Gene: MEGF10 (multiple EGF like domains 10; plus strand). Cytogenetic location: 5q23.2.
Variant type: single nucleotide variant.
Coding change: c.2687C>A on transcript NM_001256545.2 (MANE Select); coding-DNA position 2687, C replaced by A.
Protein change: p.Thr896Asn; replaces threonine 896 with asparagine.
Molecular consequence: missense variant.
Genome position (GRCh38, 1-based): chr5:127,445,652, C>A. VCF-style: chr5-127445652-C-A. GRCh37 (hg19) VCF-style: chr5-126781344-C-A.
Other names: c.2687C>A, p.Thr896Asn (NM_032446.3); short protein forms T896N.
Identifiers: ClinVar variation 1973355 (VCV001973355.5), dbSNP rs1218321550, ClinGen allele CA360734936.

ClinVar aggregate classification (germline): Uncertain significance (1 of 4 stars; one submission).

Conditions:
MEGF10-related myopathy (CMYO10A). Also called: Congenital myopathy 10A, severe variant. Identifiers: Orphanet 439212, MedGen C3280679, MONDO:0013731, OMIM 614399.

Allele frequency attached by ClinVar (database versions not stated): TOPMed below 0.00001.
gnomAD v4.1: 8 of 1,614,072 alleles (0.0005%); highest among the groups gnomAD compares: South Asian, 0.0055%; no homozygotes.

Submission:

Labcorp Genetics (formerly Invitae), Labcorp
Classification: Uncertain significance for MEGF10-related myopathy. Last evaluated: 2022-06-07. Review status: criteria provided, single submitter. Criteria: Invitae Variant Classification Sherloc (09022015). Collection method: clinical testing. Allele origin: germline.
Comment: This sequence change replaces threonine, which is neutral and polar, with asparagine, which is neutral and polar, at codon 896 of the MEGF10 protein (p.Thr896Asn). This variant is present in population databases (no rsID available, gnomAD 0.003%). This variant has not been reported in the literature in individuals affected with MEGF10-related conditions. Algorithms developed to predict the effect of missense changes on protein structure and function are either unavailable or do not agree on the potential impact of this missense change (SIFT: "Deleterious"; PolyPhen-2: "Probably Damaging"; Align-GVGD: "Class C0"). In summary, the available evidence is currently insufficient to determine the role of this variant in disease. Therefore, it has been classified as a Variant of Uncertain Significance.